The following is an entry in ClinVar:

NM_000518.5(HBB):c.-104G>A

Genes: HBB (hemoglobin subunit beta; minus strand), LOC107133510 (origin of replication at HBB; plus strand), LOC106099062 (HBB recombination region; plus strand). Cytogenetic location: 11p15.4.
Variant type: single nucleotide variant.
Coding change: c.-104G>A on transcript NM_000518.5 (MANE Select); 104 bases upstream of the start codon, G replaced by A.
Genome position (GRCh38, 1-based): chr11:5,227,125, C>T on the plus strand (G>A on the coding strand, the complement: HBB is on the minus strand). VCF-style: chr11-5227125-C-T. GRCh37 (hg19) VCF-style: chr11-5248355-C-T.
Identifiers: ClinVar variation 1330141 (VCV001330141.8), dbSNP rs1274149043, ClinGen allele CA677538264.

ClinVar aggregate classification (germline): Uncertain significance. Review status: criteria provided, multiple submitters, no conflicts (2 of 4 stars). 3 submissions from 3 submitters: Uncertain significance (2). 1 of the submissions does not count toward it. Last evaluated 2026-05-07.

Conditions:
HBB-related disorder. Also called: HBB-related condition; HBB-related disorders. Identifiers: MedGen CN239378.

Allele frequency attached by ClinVar (database versions not stated): gnomAD 0.00001; TOPMed 0.00002.

Submissions (3):

Women's Health and Genetics/Laboratory Corporation of America, LabCorp
Classification: Uncertain significance. Last evaluated: 2026-05-07. Review status: criteria provided, single submitter. Criteria: LabCorp Variant Classification Summary - May 2015. Collection method: clinical testing. Allele origin: germline.
Comment: Variant summary: HBB c.-104G>A, also referred to as -54 (G>A), is located in the untranscribed region upstream of the HBB gene region. The variant allele was found at a frequency of 4e-05 in 818838 control chromosomes. This frequency is not significantly higher than estimated for disease-causing variants in HBB, allowing no conclusion about variant significance. c.-104G>A has been observed in an individual with mild Beta-thalassemia (B-thal trait) who had a second reported variant in HBB and it has also been reported in compound heterozygous and heterozygous individuals without notable hematological findings or clinical features suggesting pathogenicity (e.g. Wayne_2011, Hamid_2020). These reports do not provide unequivocal conclusions about association of the variant with Hemoglobinopathy. To our knowledge, no experimental evidence demonstrating an impact on protein function has been reported. The following publications have been ascertained in the context of this evaluation (PMID: 32672086, 33092544, 21250885). ClinVar contains an entry for this variant (Variation ID: 1330141). Based on the evidence outlined above, the variant was classified as uncertain significance.

Quest Diagnostics Nichols Institute San Juan Capistrano
Classification: Uncertain significance. Last evaluated: 2024-03-04. Review status: criteria provided, single submitter. Criteria: Quest Diagnostics criteria. Collection method: clinical testing. Allele origin: unknown.
Comment: The HBB c.-104G>A variant (also known as -54G>A) has been reported in the published literature in individuals who appear to have no indication or trait of hematological disease when found alone compared to those who also carry deleterious variants in either the alpha or beta globin genes (PMID: 21250885 (2011), 32672086 (2020)). The frequency of this variant in the general population, 0.000013 (2/152162 chromosomes (Genome Aggregation Database)), is uninformative in the assessment of its pathogenicity. Based on the available information, we are unable to determine the clinical significance of this variant.

PreventionGenetics, part of Exact Sciences
Classification: Likely benign for HBB-related condition. Last evaluated: 2019-08-06. Review status: no assertion criteria provided. Collection method: clinical testing. Allele origin: germline. Not counted in ClinVar's aggregate classification.
Comment: This variant is classified as likely benign based on ACMG/AMP sequence variant interpretation guidelines (Richards et al. 2015 PMID: 25741868, with internal and published modifications).

Literature cited by the submitters: PubMed 21250885 (cited by Women's Health and Genetics/Laboratory Corporation of America, LabCorp and Quest Diagnostics Nichols Institute San Juan Capistrano); PubMed 32672086 (cited by Women's Health and Genetics/Laboratory Corporation of America, LabCorp and Quest Diagnostics Nichols Institute San Juan Capistrano); PubMed 33092544 (cited by Women's Health and Genetics/Laboratory Corporation of America, LabCorp); PubMed 21423179 (cited by Quest Diagnostics Nichols Institute San Juan Capistrano).